The following is an entry in ClinVar:

GRCh38/hg38 19q13.33-13.43(chr19:50191219-58535818)x3

Genes: LRRC4B (leucine rich repeat containing 4B; minus strand), MBOAT7 (membrane bound acylglycerophosphatidylinositol O-acyltransferase MBOAT7; minus strand), MIMT1 (MER1 repeat containing imprinted transcript 1; plus strand), MIR10394 (microRNA 10394; plus strand), MIR125A (microRNA 125a; plus strand) and 760 more. Cytogenetic location: 19q13.33-13.43.
Variant type: copy number gain.
Change: copy number 3 (three copies instead of two) of chr19:50,191,219-58,535,818 (8.34 Mb, GRCh38 coordinates, 1-based), cytogenetic band 19q13.33-13.43.
Identifiers: ClinVar variation 57219 (VCV000057219.1).

ClinVar aggregate classification (germline): Pathogenic (1 of 4 stars; one submission).

Submission:

ISCA site 4
Classification: Pathogenic. Last evaluated: 2011-08-12. Review status: criteria provided, single submitter. Criteria: Kaminsky et al. (Genet Med. 2011). Collection method: clinical testing. Allele origin: unknown. Affected: yes. Observed: 1 variant allele.
Comment: Copy number variation identified through the course of routine clinical cytogenomic testing in postnatal populations. Clinical assertions have been curated as described in Kaminsky et al. 2011.